The following is an entry in ClinVar:

NM_022051.3(EGLN1):c.419C>T (p.Ala140Val)

Gene: EGLN1 (egl-9 family hypoxia inducible factor 1; minus strand). Cytogenetic location: 1q42.2.
Variant type: single nucleotide variant.
Coding change: c.419C>T on transcript NM_022051.3 (MANE Select); coding-DNA position 419, C replaced by T.
Protein change: p.Ala140Val; replaces alanine 140 with valine.
Molecular consequence: missense variant.
Genome position (GRCh38, 1-based): chr1:231,421,470, G>A on the plus strand (C>T on the coding strand, the complement: EGLN1 is on the minus strand). VCF-style: chr1-231421470-G-A. GRCh37 (hg19) VCF-style: chr1-231557216-G-A.
Other names: c.419C>T, p.Ala140Val (NM_001377260.1, NM_001377261.1); short protein forms A140V.
Identifiers: ClinVar variation 407204 (VCV000407204.11), dbSNP rs768557500, ClinGen allele CA1453185.

ClinVar aggregate classification (germline): Conflicting classifications of pathogenicity. Review status: criteria provided, conflicting classifications (1 of 4 stars). 3 submissions from 3 submitters: Uncertain significance (2); Likely benign (1). Last evaluated 2026-01-28.

Conditions:
Erythrocytosis, familial, 3 (ECYT3). Identifiers: Orphanet 247511, MedGen C1853286, MONDO:0012353, OMIM 609820.

Allele frequency attached by ClinVar (database versions not stated): ExAC below 0.00001; gnomAD 0.00009; TOPMed 0.00009; gnomAD exomes 0.00010 and 0.00013.
gnomAD v4.1: 181 of 1,454,392 alleles (0.012%); highest among the groups gnomAD compares: Non-Finnish European, 0.015%; 1 homozygote.

Submissions (3):

Labcorp Genetics (formerly Invitae), Labcorp
Classification: Uncertain significance for Erythrocytosis, familial, 3. Last evaluated: 2026-01-28. Review status: criteria provided, single submitter. Criteria: Invitae Variant Classification Sherloc (09022015). Collection method: clinical testing. Allele origin: germline.
Comment: This sequence change replaces alanine, which is neutral and non-polar, with valine, which is neutral and non-polar, at codon 140 of the EGLN1 protein (p.Ala140Val). This variant is present in population databases (rs768557500, gnomAD 0.02%). This variant has not been reported in the literature in individuals affected with EGLN1-related conditions. ClinVar contains an entry for this variant (Variation ID: 407204). An algorithm developed to predict the effect of missense changes on protein structure and function (PolyPhen-2) suggests that this variant is likely to be disruptive. In summary, the available evidence is currently insufficient to determine the role of this variant in disease. Therefore, it has been classified as a Variant of Uncertain Significance.

ARUP Laboratories, Molecular Genetics and Genomics, ARUP Laboratories
Classification: Uncertain significance. Last evaluated: 2024-02-23. Review status: criteria provided, single submitter. Criteria: ARUP Molecular Germline Variant Investigation Process 2024. Collection method: clinical testing. Allele origin: germline.

Ambry Genetics
Classification: Likely benign. Last evaluated: 2022-10-25. Review status: criteria provided, single submitter. Criteria: Ambry Variant Classification Scheme 2023. Collection method: clinical testing. Allele origin: germline.